The following is an entry in ClinVar:

NM_001384732.1(CPLANE1):c.1272A>C (p.Arg424=)

Gene: CPLANE1 (ciliogenesis and planar polarity effector complex subunit 1; minus strand). Cytogenetic location: 5p13.2.
Variant type: single nucleotide variant.
Coding change: c.1272A>C on transcript NM_001384732.1 (MANE Select); coding-DNA position 1272, A replaced by C.
Protein change: p.Arg424=; no amino-acid change (arginine 424 retained).
Molecular consequence: synonymous variant.
Genome position (GRCh38, 1-based): chr5:37,227,667, T>G on the plus strand (A>C on the coding strand, the complement: CPLANE1 is on the minus strand). VCF-style: chr5-37227667-T-G. GRCh37 (hg19) VCF-style: chr5-37227769-T-G.
Other names: c.1272A>C, p.Arg424= (NM_023073.4).
Identifiers: ClinVar variation 2000683 (VCV002000683.17), dbSNP rs1580902498, ClinGen allele CA444098343.

ClinVar aggregate classification (germline): Likely benign. Review status: criteria provided, multiple submitters, no conflicts (2 of 4 stars). 2 submissions from 2 submitters: Likely benign (2). Last evaluated 2025-11-28.

Allele frequency attached by ClinVar (database versions not stated): gnomAD exomes below 0.00001.

Submissions (2):

Labcorp Genetics (formerly Invitae), Labcorp
Classification: Likely benign. Last evaluated: 2025-11-28. Review status: criteria provided, single submitter. Criteria: Invitae Variant Classification Sherloc (09022015). Collection method: clinical testing. Allele origin: germline.

CeGaT Center for Human Genetics Tuebingen
Classification: Likely benign. Last evaluated: 2025-02-01. Review status: criteria provided, single submitter. Criteria: CeGaT Center For Human Genetics Tuebingen Variant Classification Criteria Version 2. Collection method: clinical testing. Allele origin: germline. Affected: yes. Observed: 1 variant allele.
Comment: CPLANE1: BP4, BP7